The following is an entry in ClinVar:

NM_001099922.3(ALG13):c.3338G>T (p.Gly1113Val)

Gene: ALG13 (ALG13 UDP-N-acetylglucosaminyltransferase subunit; plus strand). Cytogenetic location: Xq23.
Variant type: single nucleotide variant.
Coding change: c.3338G>T on transcript NM_001099922.3 (MANE Select); coding-DNA position 3338, G replaced by T.
Protein change: p.Gly1113Val; replaces glycine 1113 with valine.
Molecular consequence: missense variant. On other transcripts: non-coding transcript variant (1).
Genome position (GRCh38, 1-based): chrX:111,759,923, G>T. VCF-style: chrX-111759923-G-T. GRCh37 (hg19) VCF-style: chrX-111003151-G-T.
Other names: c.2789G>T, p.Gly930Val (NM_001257230.2, NM_001257234.2, NM_001257237.2); c.3104G>T, p.Gly1035Val (NM_001257231.2); c.3101G>T, p.Gly1034Val (NM_001324292.2); c.2615G>T, p.Gly872Val (NM_001324293.1); short protein forms G1035V, G872V, G1034V, G1113V, G930V.
Identifiers: ClinVar variation 3661869 (VCV003661869.3).

ClinVar aggregate classification (germline): Uncertain significance. Review status: criteria provided, multiple submitters, no conflicts (2 of 4 stars). 2 submissions from 2 submitters: Uncertain significance (2). Last evaluated 2024-12-04.

Conditions:
Developmental and epileptic encephalopathy, 36 (DEE36). Also called: ALG13-CDG; Epileptic encephalopathy, early infantile, 36; Congenital disorder of glycosylation, type Is. Identifiers: Orphanet 324422, MedGen C4317295, MONDO:0010472, OMIM 300884.

Submissions (2):

Labcorp Genetics (formerly Invitae), Labcorp
Classification: Uncertain significance for Developmental and epileptic encephalopathy, 36. Last evaluated: 2024-12-04. Review status: criteria provided, single submitter. Criteria: Invitae Variant Classification Sherloc (09022015). Collection method: clinical testing. Allele origin: germline.
Comment: This sequence change replaces glycine, which is neutral and non-polar, with valine, which is neutral and non-polar, at codon 1113 of the ALG13 protein (p.Gly1113Val). This variant is not present in population databases (gnomAD no frequency). This variant has not been reported in the literature in individuals affected with ALG13-related conditions. Invitae Evidence Modeling of protein sequence and biophysical properties (such as structural, functional, and spatial information, amino acid conservation, physicochemical variation, residue mobility, and thermodynamic stability) has been performed for this missense variant. However, the output from this modeling did not meet the statistical confidence thresholds required to predict the impact of this variant on ALG13 protein function. In summary, the available evidence is currently insufficient to determine the role of this variant in disease. Therefore, it has been classified as a Variant of Uncertain Significance.

Blueprint Genetics
Classification: Uncertain significance. Last evaluated: 2024-06-03. Review status: criteria provided, single submitter. Criteria: ACMG Guidelines, 2015. Collection method: clinical testing. Allele origin: germline.